The following is an entry in ClinVar:

NC_000016.10:g.67660462dup

Gene: ACD (ACD shelterin complex subunit and telomerase recruitment factor; minus strand). Cytogenetic location: 16q22.1.
Variant type: Duplication.
Genome position: GRCh38 VCF-style: chr16-67660461-C-CT. GRCh37 (hg19) VCF-style: chr16-67694364-C-CT.
Identifiers: ClinVar variation 2072373 (VCV002072373.4), dbSNP rs878879924, ClinGen allele CA283218993.

ClinVar aggregate classification (germline): Uncertain significance (1 of 4 stars; one submission).

Conditions:
Dyskeratosis congenita, autosomal dominant 6 (DKCA6). Identifiers: Orphanet 3322, MedGen C4225284, MONDO:0014690, OMIM 616553.

Allele frequency attached by ClinVar (database versions not stated): gnomAD exomes below 0.00001.

Submission:

Labcorp Genetics (formerly Invitae), Labcorp
Classification: Uncertain significance for Dyskeratosis congenita, autosomal dominant 6. Last evaluated: 2024-09-02. Review status: criteria provided, single submitter. Criteria: Invitae Variant Classification Sherloc (09022015). Collection method: clinical testing. Allele origin: germline.
Comment: This sequence change creates a premature translational stop signal (p.Ser7Glufs*2) in the ACD gene. It is expected to result in an absent or disrupted protein product. However, the current clinical and genetic evidence is not sufficient to establish whether loss-of-function variants in ACD cause disease. This variant is not present in population databases (gnomAD no frequency). This variant has not been reported in the literature in individuals affected with ACD-related conditions. ClinVar contains an entry for this variant (Variation ID: 2072373). In summary, the available evidence is currently insufficient to determine the role of this variant in disease. Therefore, it has been classified as a Variant of Uncertain Significance.